The following is an entry in ClinVar:

ClinVar aggregate classification (germline): Uncertain significance (1 of 4 stars; one submission).

Conditions:
Gastrointestinal stromal tumor. Also called: Gastrointestinal stromal tumor, somatic; Gastrointestinal stroma tumor. Identifiers: Orphanet 44890, MedGen C0238198, MeSH D046152, MONDO:0011719, OMIM 606764, HP:0100723.

Submission:

Labcorp Genetics (formerly Invitae), Labcorp
Classification: Uncertain significance for Gastrointestinal stromal tumor. Last evaluated: 2022-11-03. Review status: criteria provided, single submitter. Criteria: Invitae Variant Classification Sherloc (09022015). Collection method: clinical testing. Allele origin: germline.
Comment: This sequence change creates a premature translational stop signal (p.Ser616Thrfs*18) in the PDGFRA gene. It is expected to result in an absent or disrupted protein product. However, the current clinical and genetic evidence is not sufficient to establish whether loss-of-function variants in PDGFRA cause disease. In summary, the available evidence is currently insufficient to determine the role of this variant in disease. Therefore, it has been classified as a Variant of Uncertain Significance. This variant has not been reported in the literature in individuals affected with PDGFRA-related conditions. This variant is not present in population databases (gnomAD no frequency).

NM_006206.6(PDGFRA):c.1847_1857del (p.Ser616fs)

Gene: PDGFRA (platelet derived growth factor receptor alpha; plus strand). Cytogenetic location: 4q12.
Variant type: Deletion.
Coding change: c.1847_1857del on transcript NM_006206.6 (MANE Select); coding-DNA positions 1847 to 1857, 11 bases deleted (GCCGGTCCCAA).
Protein change: p.Ser616fs; shifts the reading frame from serine 616.
Molecular consequence: frameshift variant.
Genome position (GRCh38, 1-based): chr4:54,277,448-54,277,458, GCCGGTCCCAA deleted; deleting any 11 consecutive bases within chr4:54,277,446-54,277,458 gives the same sequence; the c. name uses the placement nearest the transcript's 3' end. VCF-style (leftmost placement, unchanged base first): chr4-54277445-TAAGCCGGTCCC-T. GRCh37 (hg19) VCF-style: chr4-55143612-TAAGCCGGTCCC-T.
Other names: c.1847_1857del, p.Ser616fs (NM_001347827.2, NM_001347829.2); c.1922_1932del, p.Ser641fs (NM_001347828.2); c.1886_1896del, p.Ser629fs (NM_001347830.2); short protein forms S616fs, S629fs, S641fs.
Identifiers: ClinVar variation 2811891 (VCV002811891.3), dbSNP rs2475507700, ClinGen allele CA2739265896.